The following is an entry in ClinVar:

NM_007194.4(CHEK2):c.563A>G (p.Glu188Gly)

Gene: CHEK2 (checkpoint kinase 2; minus strand). Cytogenetic location: 22q12.1.
Variant type: single nucleotide variant.
Coding change: c.563A>G on transcript NM_007194.4 (MANE Select); coding-DNA position 563, A replaced by G.
Protein change: p.Glu188Gly; replaces glutamic acid 188 with glycine.
Molecular consequence: missense variant. On other transcripts: 5 prime UTR variant (2), intron variant (1).
Genome position (GRCh38, 1-based): chr22:28,725,006, T>C on the plus strand (A>G on the coding strand, the complement: CHEK2 is on the minus strand). VCF-style: chr22-28725006-T-C. GRCh37 (hg19) VCF-style: chr22-29120994-T-C.
Other names: c.692A>G, p.Glu231Gly (NM_001005735.3, NM_001438294.1); c.-215A>G (NM_001257387.3); c.-101A>G (NM_001437942.1); c.656A>G, p.Glu219Gly (NM_001438293.1, NM_001438295.1); c.563A>G, p.Glu188Gly (NM_145862.3); c.445-83A>G (NM_001349956.3); short protein forms E188G, E231G, E219G.
Identifiers: ClinVar variation 460842 (VCV000460842.14), dbSNP rs757812205, ClinGen allele CA10167982.

ClinVar aggregate classification (germline): Uncertain significance. Review status: criteria provided, multiple submitters, no conflicts (2 of 4 stars). 2 submissions from 2 submitters: Uncertain significance (2). Last evaluated 2023-05-07.

Conditions:
Familial cancer of breast. Also called: BREAST CANCER, FAMILIAL; Hereditary breast cancer; hereditary breast carcinoma. Identifiers: Orphanet 227535, MedGen C0346153, MONDO:0016419, OMIM 114480. Disease mechanism: loss of function.
Hereditary cancer-predisposing syndrome. Also called: Neoplastic Syndromes, Hereditary; Hereditary Cancer Syndrome; Hereditary neoplastic syndrome; Tumor predisposition. Identifiers: Orphanet 140162, MedGen C0027672, MeSH D009386, MONDO:0015356.

Allele frequency attached by ClinVar (database versions not stated): gnomAD exomes below 0.00001 and 0.00001; ExAC 0.00001.

Submissions (2):

Ambry Genetics
Classification: Uncertain significance for Hereditary cancer-predisposing syndrome. Last evaluated: 2023-05-07. Review status: criteria provided, single submitter. Criteria: Ambry Variant Classification Scheme 2023. Collection method: clinical testing. Allele origin: germline.
Comment: The p.E188G variant (also known as c.563A>G), located in coding exon 3 of the CHEK2 gene, results from an A to G substitution at nucleotide position 563. The glutamic acid at codon 188 is replaced by glycine, an amino acid with similar properties. This amino acid position is highly conserved in available vertebrate species. In addition, this alteration is predicted to be deleterious by in silico analysis. Since supporting evidence is limited at this time, the clinical significance of this alteration remains unclear.

Labcorp Genetics (formerly Invitae), Labcorp
Classification: Uncertain significance for Familial cancer of breast. Last evaluated: 2021-03-14. Review status: criteria provided, single submitter. Criteria: Invitae Variant Classification Sherloc (09022015). Collection method: clinical testing. Allele origin: germline.
Comment: In summary, this variant is a rare missense change with uncertain impact on protein function. There is no indication that it causes disease, but the available evidence is currently insufficient to prove that conclusively. Therefore, it has been classified as a Variant of Uncertain Significance. Algorithms developed to predict the effect of missense changes on protein structure and function do not agree on the potential impact of this missense change (SIFT: "Deleterious"; PolyPhen-2: "Probably Damaging"; Align-GVGD: "Class C0"). This variant is present in population databases (rs757812205, ExAC 0.001%) but has not been reported in the literature in individuals with a CHEK2-related disease. This sequence change replaces glutamic acid with glycine at codon 188 of the CHEK2 protein (p.Glu188Gly). The glutamic acid residue is highly conserved and there is a moderate physicochemical difference between glutamic acid and glycine.